The following is an entry in ClinVar:

NM_001367624.2(ZNF469):c.10611G>A (p.Pro3537=)

Gene: ZNF469 (zinc finger protein 469; plus strand). Cytogenetic location: 16q24.2.
Variant type: single nucleotide variant.
Coding change: c.10611G>A on transcript NM_001367624.2 (MANE Select); coding-DNA position 10611, G replaced by A.
Protein change: p.Pro3537=; no amino-acid change (proline 3537 retained).
Molecular consequence: synonymous variant.
Genome position (GRCh38, 1-based): chr16:88,438,081, G>A. VCF-style: chr16-88438081-G-A. GRCh37 (hg19) VCF-style: chr16-88504489-G-A.
Other names: NM_001127464.2:c.10527G>A; NM_001127464.1:c.10527G>A; p.Pro3537=.
Identifiers: ClinVar variation 1594191 (VCV001594191.16), dbSNP rs774846173, ClinGen allele CA286387028.
Genomic context (GRCh38, chr16:88,438,081, plus strand): 5'-CAGCACCACCAAGGGATGGCCCGAGACCCTAGAGAGGCCTGTAGACCCCGTGACCCACCC[G>A]ATCAGAGGTTGTGAGCTGCCATCCAACCACCAGGAGTGTCCCCCGCCGTCTCTGTCTCCC-3'
Protein context (NP_001354553.1, residues 3527-3547): LERPVDPVTH[Pro3537=]IRGCELPSNH

ClinVar aggregate classification (germline): Conflicting classifications of pathogenicity. Review status: criteria provided, conflicting classifications (1 of 4 stars). 5 submissions from 5 submitters: Uncertain significance (1); Likely benign (3). 1 of the submissions does not count toward it. Last evaluated 2026-01-11.

Conditions:
ZNF469-related disorder. Also called: ZNF469-related condition.
Cardiovascular phenotype. Identifiers: MedGen CN230736.
Ehlers-Danlos syndrome (EDS). Identifiers: Orphanet 98249, MedGen C0013720, MONDO:0020066.

Allele frequency attached by ClinVar (database versions not stated): gnomAD exomes 0.00001; TOPMed 0.00002; gnomAD 0.00003.
gnomAD v4.1: 58 of 1,550,270 alleles (0.0037%); highest among the groups gnomAD compares: Non-Finnish European, 0.005%; no homozygotes.

Submissions (5):

Labcorp Genetics (formerly Invitae), Labcorp
Classification: Likely benign. Last evaluated: 2026-01-11. Review status: criteria provided, single submitter. Criteria: Invitae Variant Classification Sherloc (09022015). Collection method: clinical testing. Allele origin: germline.

Mayo Clinic Laboratories, Mayo Clinic
Classification: Likely benign. Last evaluated: 2025-04-21. Review status: criteria provided, single submitter. Criteria: ACMG Guidelines, 2015. Collection method: clinical testing. Allele origin: germline. Observed: 1 variant allele.
Comment: BP4, BP7, PM2_supporting

Genome Diagnostics Laboratory, The Hospital for Sick Children
Classification: Uncertain significance for Ehlers-Danlos syndrome. Last evaluated: 2022-01-17. Review status: criteria provided, single submitter. Criteria: ACMG Guidelines, 2015. Collection method: clinical testing. Allele origin: germline.

Ambry Genetics
Classification: Likely benign for Cardiovascular phenotype. Last evaluated: 2021-03-13. Review status: criteria provided, single submitter. Criteria: Ambry Variant Classification Scheme 2023. Collection method: clinical testing. Allele origin: germline.

PreventionGenetics, part of Exact Sciences
Classification: Likely benign for ZNF469-related condition. Last evaluated: 2021-03-03. Review status: no assertion criteria provided. Collection method: clinical testing. Allele origin: germline. Not counted in ClinVar's aggregate classification.
Comment: This variant is classified as likely benign based on ACMG/AMP sequence variant interpretation guidelines (Richards et al. 2015 PMID: 25741868, with internal and published modifications).